The following is an entry in ClinVar:

NM_001387777.1(TNS1):c.486G>C (p.Arg162=)

Gene: TNS1 (tensin 1; minus strand). Cytogenetic location: 2q35.
Variant type: single nucleotide variant.
Coding change: c.486G>C on transcript NM_001387777.1 (MANE Select); coding-DNA position 486, G replaced by C.
Protein change: p.Arg162=; no amino-acid change (arginine 162 retained).
Molecular consequence: synonymous variant.
Genome position (GRCh38, 1-based): chr2:217,897,855, C>G on the plus strand (G>C on the coding strand, the complement: TNS1 is on the minus strand). VCF-style: chr2-217897855-C-G. GRCh37 (hg19) VCF-style: chr2-218762578-C-G.
Other names: c.111G>C, p.Arg37= (NM_001308022.2, NM_001308023.2, NM_022648.7).
Identifiers: ClinVar variation 783352 (VCV000783352.7), dbSNP rs59421454, ClinGen allele CA2100912.

ClinVar aggregate classification (germline): Benign. Review status: criteria provided, multiple submitters, no conflicts (2 of 4 stars). 3 submissions from 3 submitters: Benign (2). 1 of the submissions does not count toward it. Last evaluated 2019-12-31.

Conditions:
TNS1-related disorder. Also called: TNS1-related condition.

Allele frequency attached by ClinVar (database versions not stated): ExAC 0.00603; gnomAD 0.01749 and 0.01873; ESP Exome Variant Server 0.02145; TOPMed 0.01982; 1000 Genomes Project 0.02396; gnomAD exomes 0.00182 and 0.00456; 1000 Genomes Project 30x 0.02561.
gnomAD v4.1: 5,427 of 1,613,426 alleles (0.34%); highest among the groups gnomAD compares: African/African-American, 6.2%; 158 homozygotes.

Submissions (3):

Labcorp Genetics (formerly Invitae), Labcorp
Classification: Benign. Last evaluated: 2019-12-31. Review status: criteria provided, single submitter. Criteria: Invitae Variant Classification Sherloc (09022015). Collection method: clinical testing. Allele origin: germline.

Breakthrough Genomics
Classification: Benign. Review status: criteria provided, single submitter. Criteria: ACMG Guidelines, 2015. Collection method: not provided. Allele origin: germline. Inheritance: Unknown mechanism. Affected: yes.

PreventionGenetics, part of Exact Sciences
Classification: Benign for TNS1-related condition. Last evaluated: 2019-02-21. Review status: no assertion criteria provided. Collection method: clinical testing. Allele origin: germline. Not counted in ClinVar's aggregate classification.
Comment: This variant is classified as benign based on ACMG/AMP sequence variant interpretation guidelines (Richards et al. 2015 PMID: 25741868, with internal and published modifications).